The following is an entry in ClinVar:

ClinVar aggregate classification (germline): Conflicting classifications of pathogenicity. Review status: criteria provided, conflicting classifications (1 of 4 stars). 7 submissions from 7 submitters: Uncertain significance (6); Benign (1). Last evaluated 2025-12-15.

Conditions:
Hereditary cancer-predisposing syndrome. Also called: Tumor predisposition; Hereditary Cancer Syndrome; Hereditary neoplastic syndrome; Neoplastic Syndromes, Hereditary. Identifiers: Orphanet 140162, MedGen C0027672, MeSH D009386, MONDO:0015356.
Hereditary nonpolyposis colorectal neoplasms. Identifiers: MedGen C0009405, MeSH D003123.
Lynch syndrome. Identifiers: Orphanet 144, MedGen C4552100, MONDO:0005835. Disease mechanism: loss of function.
Lynch syndrome 5 (LYNCH5). Also called: Colorectal cancer, hereditary nonpolyposis, type 5; Hereditary non-polyposis colorectal cancer, type 5. Identifiers: Orphanet 144, MedGen C1833477, MONDO:0013710, OMIM 614350. Disease mechanism: loss of function.

Allele frequency attached by ClinVar (database versions not stated): gnomAD exomes below 0.00001 and 0.00001; ExAC 0.00002; 1000 Genomes Project 30x 0.00016; 1000 Genomes Project 0.00020.
gnomAD v4.1: 3 of 1,614,188 alleles (0.00019%); highest among the groups gnomAD compares: East Asian, 0.0045%; no homozygotes.

Submissions (7):

Labcorp Genetics (formerly Invitae), Labcorp
Classification: Benign for Hereditary nonpolyposis colorectal neoplasms. Last evaluated: 2025-12-15. Review status: criteria provided, single submitter. Criteria: Invitae Variant Classification Sherloc (09022015). Collection method: clinical testing. Allele origin: germline.

Ambry Genetics
Classification: Uncertain significance for Hereditary cancer-predisposing syndrome. Last evaluated: 2025-09-19. Review status: criteria provided, single submitter. Criteria: Ambry Variant Classification Scheme 2023. Collection method: clinical testing. Allele origin: germline.
Comment: The p.T754P variant (also known as c.2260A>C), located in coding exon 4 of the MSH6 gene, results from an A to C substitution at nucleotide position 2260. The threonine at codon 754 is replaced by proline, an amino acid with highly similar properties. In a study of whole-exome sequencing in patients with features of Cowden syndrome (CS) or Bannayan-Riley-Ruvalcaba syndrome (BRRS) and negative PTEN testing, this alteration was identified in 0/87 patients with CS or BRRS and 1/3476 patients from The Cancer Genome Atlas (TCGA) (Yehia L et al. PLoS Genet, 2018 04;14:e1007352). This amino acid position is not well conserved in available vertebrate species. In addition, this alteration is predicted to be tolerated by in silico analysis. Since supporting evidence is limited at this time, the clinical significance of this alteration remains unclear.

Molecular Pathology, Peter Maccallum Cancer Centre
Classification: Uncertain significance for Lynch syndrome 5. Last evaluated: 2024-02-23. Review status: criteria provided, single submitter. Criteria: ACMG Guidelines, 2015. Collection method: clinical testing. Allele origin: germline. Inheritance: Autosomal dominant inheritance.

All of Us Research Program, National Institutes of Health
Classification: Uncertain significance for Lynch syndrome. Last evaluated: 2023-10-23. Review status: criteria provided, single submitter. Criteria: ACMG Guidelines, 2015. Collection method: clinical testing. Allele origin: germline. Inheritance: Autosomal dominant inheritance. Observed: 5 variant alleles, 5 heterozygotes.
Comment: This missense variant replaces threonine with proline at codon 754 of the MSH6 protein. Computational prediction suggests that this variant may not impact protein structure and function (internally defined REVEL score threshold <= 0.5, PMID: 27666373). To our knowledge, functional studies have not been reported for this variant. This variant has been reported in an individual affected with breast cancer (PMID: 29684080). This variant has been identified in 2/251058 chromosomes in the general population by the Genome Aggregation Database (gnomAD). The available evidence is insufficient to determine the role of this variant in disease conclusively. Therefore, this variant is classified as a Variant of Uncertain Significance.

This study involves interpretation of variants in research participants for the purpose of population health screening. Participant phenotype was not available at the time of variant classification. Additional details can be found in publication PMID: 35346344, PMCID: PMC8962531

Quest Diagnostics Nichols Institute San Juan Capistrano
Classification: Uncertain significance. Last evaluated: 2023-09-27. Review status: criteria provided, single submitter. Criteria: Quest Diagnostics criteria. Collection method: clinical testing. Allele origin: unknown.

Color Diagnostics, LLC DBA Color Health
Classification: Uncertain significance for Hereditary cancer-predisposing syndrome. Last evaluated: 2022-11-11. Review status: criteria provided, single submitter. Criteria: ACMG Guidelines, 2015. Collection method: clinical testing. Allele origin: germline.
Comment: This missense variant replaces threonine with proline at codon 754 of the MSH6 protein. Computational prediction suggests that this variant may not impact protein structure and function (internally defined REVEL score threshold <= 0.5, PMID: 27666373). To our knowledge, functional studies have not been reported for this variant. This variant has been reported in an individual affected with breast cancer (PMID: 29684080). This variant has been identified in 2/251058 chromosomes in the general population by the Genome Aggregation Database (gnomAD). The available evidence is insufficient to determine the role of this variant in disease conclusively. Therefore, this variant is classified as a Variant of Uncertain Significance.

GeneDx
Classification: Uncertain significance. Last evaluated: 2018-12-11. Review status: criteria provided, single submitter. Criteria: GeneDx Variant Classification (06012015). Collection method: clinical testing. Allele origin: germline. Affected: yes.
Comment: This variant is denoted MSH6 c.2260A>C at the cDNA level, p.Thr754Pro (T754P) at the protein level, and results in the change of a Threonine to a Proline (ACT>CCT). This variant was observed in at least one individual diagnosed with breast cancer (Lu 2015). MSH6 Thr754Pro was not observed at a significant allele frequency in large population cohorts (Lek 2016). MSH6 Thr754Pro is located in the Lever domain (Warren 2007, Kansikas 2011). In silico analysis, which includes protein predictors and evolutionary conservation, supports that this variant does not alter protein structure/function. Based on currently available information, it is unclear whether MSH6 Thr754Pro is pathogenic or benign. We consider it to be a variant of uncertain significance.

Literature cited by the submitters: PubMed 29684080 (cited by 4 submitters); PubMed 33471991 (cited by Quest Diagnostics Nichols Institute San Juan Capistrano).

NM_000179.3(MSH6):c.2260A>C (p.Thr754Pro)

Gene: MSH6 (mutS homolog 6; plus strand). Cytogenetic location: 2p16.3.
Variant type: single nucleotide variant.
Coding change: c.2260A>C on transcript NM_000179.3 (MANE Select); coding-DNA position 2260, A replaced by C.
Protein change: p.Thr754Pro; replaces threonine 754 with proline.
Molecular consequence: missense variant.
Genome position (GRCh38, 1-based): chr2:47,800,243, A>C. VCF-style: chr2-47800243-A-C. GRCh37 (hg19) VCF-style: chr2-48027382-A-C.
Other names: p.T754P:ACT>CCT; c.1870A>C, p.Thr624Pro (NM_001281492.2); c.1354A>C, p.Thr452Pro (NM_001281493.2, NM_001281494.2); short protein forms T754P, T452P, T624P.
Identifiers: ClinVar variation 182634 (VCV000182634.27), dbSNP rs545057945, ClinGen allele CA009921.